The following is an entry in ClinVar:

NM_005921.2(MAP3K1):c.1913T>G (p.Val638Gly)

Gene: MAP3K1 (mitogen-activated protein kinase kinase kinase 1; plus strand). Cytogenetic location: 5q11.2.
Variant type: single nucleotide variant.
Coding change: c.1913T>G on transcript NM_005921.2 (MANE Select); coding-DNA position 1913, T replaced by G.
Protein change: p.Val638Gly; replaces valine 638 with glycine.
Molecular consequence: missense variant.
Genome position (GRCh38, 1-based): chr5:56,875,258, T>G. VCF-style: chr5-56875258-T-G. GRCh37 (hg19) VCF-style: chr5-56171085-T-G.
Other names: short protein forms V638G.
Identifiers: ClinVar variation 2095374 (VCV002095374.4), dbSNP rs2530935096, ClinGen allele CA359781312.

ClinVar aggregate classification (germline): Uncertain significance (1 of 4 stars; one submission).

Conditions:
46,XY sex reversal 6. Also called: 46,XY GONADAL DYSGENESIS, PARTIAL OR COMPLETE, MAP3K1-RELATED; 46,XY SEX REVERSAL, PARTIAL OR COMPLETE, MAP3K1-RELATED. Identifiers: MedGen C3151064, MONDO:0013410, OMIM 613762.

Submission:

Labcorp Genetics (formerly Invitae), Labcorp
Classification: Uncertain significance for 46,XY sex reversal 6. Last evaluated: 2022-02-09. Review status: criteria provided, single submitter. Criteria: Invitae Variant Classification Sherloc (09022015). Collection method: clinical testing. Allele origin: germline.
Comment: Algorithms developed to predict the effect of sequence changes on RNA splicing suggest that this variant may create or strengthen a splice site. In summary, the available evidence is currently insufficient to determine the role of this variant in disease. Therefore, it has been classified as a Variant of Uncertain Significance. Algorithms developed to predict the effect of missense changes on protein structure and function are either unavailable or do not agree on the potential impact of this missense change (SIFT: "Deleterious"; PolyPhen-2: "Probably Damaging"; Align-GVGD: "Class C0"). This variant has not been reported in the literature in individuals affected with MAP3K1-related conditions. This variant is not present in population databases (gnomAD no frequency). This sequence change replaces valine, which is neutral and non-polar, with glycine, which is neutral and non-polar, at codon 638 of the MAP3K1 protein (p.Val638Gly).